The following is an entry in ClinVar:

NM_024675.4(PALB2):c.1710G>C (p.Glu570Asp)

Gene: PALB2 (partner and localizer of BRCA2; minus strand). Cytogenetic location: 16p12.2.
Variant type: single nucleotide variant.
Coding change: c.1710G>C on transcript NM_024675.4 (MANE Select); coding-DNA position 1710, G replaced by C.
Protein change: p.Glu570Asp; replaces glutamic acid 570 with aspartic acid.
Molecular consequence: missense variant.
Genome position (GRCh38, 1-based): chr16:23,630,444, C>G on the plus strand (G>C on the coding strand, the complement: PALB2 is on the minus strand). VCF-style: chr16-23630444-C-G. GRCh37 (hg19) VCF-style: chr16-23641765-C-G.
Other names: short protein forms E570D.
Identifiers: ClinVar variation 1332237 (VCV001332237.5), dbSNP rs1555460688, ClinGen allele CA395128413.

ClinVar aggregate classification (germline): Uncertain significance. Review status: criteria provided, multiple submitters, no conflicts (2 of 4 stars). 2 submissions from 2 submitters: Uncertain significance (2). Last evaluated 2024-03-07.

Conditions:
Hereditary cancer-predisposing syndrome. Also called: Tumor predisposition; Hereditary Cancer Syndrome; Neoplastic Syndromes, Hereditary; Hereditary neoplastic syndrome. Identifiers: Orphanet 140162, MedGen C0027672, MeSH D009386, MONDO:0015356.

Submissions (2):

Color Diagnostics, LLC DBA Color Health
Classification: Uncertain significance for Hereditary cancer-predisposing syndrome. Last evaluated: 2024-03-07. Review status: criteria provided, single submitter. Criteria: ACMG Guidelines, 2015. Collection method: clinical testing. Allele origin: germline.
Comment: This missense variant replaces glutamic acid with aspartic acid at codon 570 of the PALB2 protein. Computational prediction suggests that this variant may not impact protein structure and function (internally defined REVEL score threshold <= 0.5, PMID: 27666373). To our knowledge, functional studies have not been reported for this variant. This variant has not been reported in individuals affected with hereditary cancer in the literature. This variant has not been identified in the general population by the Genome Aggregation Database (gnomAD). The available evidence is insufficient to determine the role of this variant in disease conclusively. Therefore, this variant is classified as a Variant of Uncertain Significance.

Ambry Genetics
Classification: Uncertain significance for Hereditary cancer-predisposing syndrome. Last evaluated: 2021-06-25. Review status: criteria provided, single submitter. Criteria: Ambry Variant Classification Scheme 2023. Collection method: clinical testing. Allele origin: germline.
Comment: The p.E570D variant (also known as c.1710G>C), located in coding exon 5 of the PALB2 gene, results from a G to C substitution at nucleotide position 1710. The glutamic acid at codon 570 is replaced by aspartic acid, an amino acid with highly similar properties. This variant was not reported in population based cohorts in the following databases: Database of Single Nucleotide Polymorphisms (dbSNP), NHLBI Exome Sequencing Project (ESP), and 1000 Genomes Project. In the ESP, this variant was not observed in 6497 samples (12994 alleles) with coverage at this position. To date, this alteration has been detected with an allele frequency of approximately 0.001% (greater than 70000 alleles tested) in our clinical cohort. Based on protein sequence alignment, this amino acid position is well conserved in available vertebrate species. In addition, this alteration is predicted to be tolerated by in silico analysis. Since supporting evidence is limited at this time, the clinical significance of p.E570D remains unclear.